The following is an entry in ClinVar:

ClinVar aggregate classification (germline): Uncertain significance (0 of 4 stars; one submission).

Conditions:
COL4A6-related disorder. Also called: COL4A6-related condition.

Allele frequency attached by ClinVar (database versions not stated): gnomAD exomes below 0.00001; gnomAD 0.00001.
gnomAD v4.1: 4 of 1,201,442 alleles (0.00033%); highest among the groups gnomAD compares: African/African-American, 0.007%; no homozygotes.

Submission:

PreventionGenetics, part of Exact Sciences
Classification: Uncertain significance for COL4A6-related condition. Last evaluated: 2024-02-22. Review status: no assertion criteria provided. Collection method: clinical testing. Allele origin: germline.
Comment: The COL4A6 c.439C>T variant is predicted to result in the amino acid substitution p.Pro147Ser. To our knowledge, this variant has not been reported in the literature. This variant is reported in 0.017% of alleles in individuals of African descent in gnomAD. At this time, the clinical significance of this variant is uncertain due to the absence of conclusive functional and genetic evidence.

NM_033641.4(COL4A6):c.436C>T (p.Pro146Ser)

Gene: COL4A6 (collagen type IV alpha 6 chain; minus strand). Cytogenetic location: Xq22.3.
Variant type: single nucleotide variant.
Coding change: c.436C>T on transcript NM_033641.4 (MANE Select); coding-DNA position 436, C replaced by T.
Protein change: p.Pro146Ser; replaces proline 146 with serine.
Molecular consequence: missense variant.
Genome position (GRCh38, 1-based): chrX:108,214,117, G>A on the plus strand (C>T on the coding strand, the complement: COL4A6 is on the minus strand). VCF-style: chrX-108214117-G-A. GRCh37 (hg19) VCF-style: chrX-107457347-G-A.
Other names: c.436C>T, p.Pro146Ser (NM_001287758.2, NM_001287759.2, NM_001287760.2); c.439C>T, p.Pro147Ser (NM_001847.4); short protein forms P146S, P147S.
Identifiers: ClinVar variation 3061101 (VCV003061101.2), dbSNP rs1430475330, ClinGen allele CA413903733.